The following is an entry in ClinVar:

ClinVar aggregate classification (germline): Uncertain significance (1 of 4 stars; one submission).

Conditions:
Hereditary cancer-predisposing syndrome. Also called: Neoplastic Syndromes, Hereditary; Tumor predisposition; Hereditary Cancer Syndrome; Hereditary neoplastic syndrome. Identifiers: Orphanet 140162, MedGen C0027672, MeSH D009386, MONDO:0015356.

Submission:

Ambry Genetics
Classification: Uncertain significance for Hereditary cancer-predisposing syndrome. Last evaluated: 2022-07-29. Review status: criteria provided, single submitter. Criteria: Ambry Variant Classification Scheme 2023. Collection method: clinical testing. Allele origin: germline.
Comment: The p.F118V variant (also known as c.352T>G), located in coding exon 2 of the FLCN gene, results from a T to G substitution at nucleotide position 352. The phenylalanine at codon 118 is replaced by valine, an amino acid with highly similar properties. This amino acid position is conserved. In addition, this alteration is predicted to be deleterious by in silico analysis. Since supporting evidence is limited at this time, the clinical significance of this alteration remains unclear.

NM_144997.7(FLCN):c.352T>G (p.Phe118Val)

Gene: FLCN (folliculin; minus strand). Cytogenetic location: 17p11.2.
Variant type: single nucleotide variant.
Coding change: c.352T>G on transcript NM_144997.7 (MANE Select); coding-DNA position 352, T replaced by G.
Protein change: p.Phe118Val; replaces phenylalanine 118 with valine.
Molecular consequence: missense variant.
Genome position (GRCh38, 1-based): chr17:17,226,220, A>C on the plus strand (T>G on the coding strand, the complement: FLCN is on the minus strand). VCF-style: chr17-17226220-A-C. GRCh37 (hg19) VCF-style: chr17-17129534-A-C.
Other names: c.352T>G, p.Phe118Val (NM_001353229.2, NM_001353230.2, NM_001353231.2 and 1 more transcripts); short protein forms F118V.
Identifiers: ClinVar variation 1732359 (VCV001732359.2), dbSNP rs2544280623, ClinGen allele CA398534771.
Genomic context (GRCh38, chr17:17,226,220, plus strand): 5'-TGGCCACAAGGCTCACCTCACAGCTCAGGCTCCGGACACAGGCCTGGCGGACAATGCTGA[A>C]GAGCTGGGGGTGGCTGGGGTGCTGGTGGCTGACGTATTTAATGGAGGTCTCTTTATCATG-3'
Protein context (NP_659434.2, residues 108-128): SHQHPSHPQL[Phe118Val]SIVRQACVRS